The following is an entry in ClinVar:

ClinVar aggregate classification (germline): Conflicting classifications of pathogenicity. Review status: criteria provided, conflicting classifications (1 of 4 stars). 3 submissions from 3 submitters: Uncertain significance (2); Likely benign (1). Last evaluated 2026-02-01.

Conditions:
Hereditary cancer-predisposing syndrome. Also called: Neoplastic Syndromes, Hereditary; Tumor predisposition; Hereditary neoplastic syndrome; Hereditary Cancer Syndrome. Identifiers: Orphanet 140162, MedGen C0027672, MeSH D009386, MONDO:0015356.

Allele frequency attached by ClinVar (database versions not stated): gnomAD exomes below 0.00001; TOPMed below 0.00001; gnomAD 0.00001.

Submissions (3):

Labcorp Genetics (formerly Invitae), Labcorp
Classification: Uncertain significance. Last evaluated: 2026-02-01. Review status: criteria provided, single submitter. Criteria: Invitae Variant Classification Sherloc (09022015). Collection method: clinical testing. Allele origin: germline.
Comment: This sequence change replaces aspartic acid, which is acidic and polar, with asparagine, which is neutral and polar, at codon 1405 of the POLE protein (p.Asp1405Asn). This variant is present in population databases (no rsID available, gnomAD 0.003%). This variant has not been reported in the literature in individuals affected with POLE-related conditions. ClinVar contains an entry for this variant (Variation ID: 663216). Invitae Evidence Modeling of protein sequence and biophysical properties (such as structural, functional, and spatial information, amino acid conservation, physicochemical variation, residue mobility, and thermodynamic stability) indicates that this missense variant is not expected to disrupt POLE protein function with a negative predictive value of 80%. In summary, the available evidence is currently insufficient to determine the role of this variant in disease. Therefore, it has been classified as a Variant of Uncertain Significance.

Ambry Genetics
Classification: Likely benign for Hereditary cancer-predisposing syndrome. Last evaluated: 2025-02-26. Review status: criteria provided, single submitter. Criteria: Ambry Variant Classification Scheme 2023. Collection method: clinical testing. Allele origin: germline.

Quest Diagnostics Nichols Institute San Juan Capistrano
Classification: Uncertain significance. Last evaluated: 2018-12-18. Review status: criteria provided, single submitter. Criteria: Quest Diagnostics criteria. Collection method: clinical testing. Allele origin: germline.

NM_006231.4(POLE):c.4213G>A (p.Asp1405Asn)

Gene: POLE (DNA polymerase epsilon, catalytic subunit; minus strand). Cytogenetic location: 12q24.33.
Variant type: single nucleotide variant.
Coding change: c.4213G>A on transcript NM_006231.4 (MANE Select); coding-DNA position 4213, G replaced by A.
Protein change: p.Asp1405Asn; replaces aspartic acid 1405 with asparagine.
Molecular consequence: missense variant.
Genome position (GRCh38, 1-based): chr12:132,643,914, C>T on the plus strand (G>A on the coding strand, the complement: POLE is on the minus strand). VCF-style: chr12-132643914-C-T. GRCh37 (hg19) VCF-style: chr12-133220500-C-T.
Other names: short protein forms D1405N.
Identifiers: ClinVar variation 663216 (VCV000663216.16), dbSNP rs1193196213, ClinGen allele CA387382210.